The following is an entry in ClinVar:

NM_001166108.2(PALLD):c.1058A>G (p.Asp353Gly)

Gene: PALLD (palladin, cytoskeletal associated protein; plus strand). Cytogenetic location: 4q32.3.
Variant type: single nucleotide variant.
Coding change: c.1058A>G on transcript NM_001166108.2 (MANE Select); coding-DNA position 1058, A replaced by G.
Protein change: p.Asp353Gly; replaces aspartic acid 353 with glycine.
Molecular consequence: missense variant. On other transcripts: 5 prime UTR variant (1).
Genome position (GRCh38, 1-based): chr4:168,668,339, A>G. VCF-style: chr4-168668339-A-G. GRCh37 (hg19) VCF-style: chr4-169589490-A-G.
Other names: c.-89A>G (NM_001166109.2); c.1058A>G, p.Asp353Gly (NM_016081.4); short protein forms D353G.
Identifiers: ClinVar variation 1779106 (VCV001779106.2), dbSNP rs1224112047, ClinGen allele CA358793901.
Genomic context (GRCh38, chr4:168,668,339, plus strand): 5'-AGGCCTTTGAGGACGACACAGGTCGCTACACCTGTTTGGCTACGAATCCCAGCGGCTCAG[A>G]CACAACATCTGCTGAGGTGTTCATTGAAGGTAAGGAGGGGTGCCTGGTAATGGGGGATAA-3'
Protein context (NP_001159580.1, residues 343-363): TCLATNPSGS[Asp353Gly]TTSAEVFIEG

ClinVar aggregate classification (germline): Uncertain significance (1 of 4 stars; one submission).

Allele frequency attached by ClinVar (database versions not stated): TOPMed below 0.00001; gnomAD 0.00002.
gnomAD v4.1: 3 of 1,612,032 alleles (0.00019%); highest among the groups gnomAD compares: Non-Finnish European, 0.00025%; no homozygotes.

Submission:

Ambry Genetics
Classification: Uncertain significance. Last evaluated: 2024-03-07. Review status: criteria provided, single submitter. Criteria: Ambry Variant Classification Scheme 2023. Collection method: clinical testing. Allele origin: germline.
Comment: The p.D353G variant (also known as c.1058A>G), located in coding exon 2 of the PALLD gene, results from an A to G substitution at nucleotide position 1058. The aspartic acid at codon 353 is replaced by glycine, an amino acid with similar properties. This amino acid position is conserved. In addition, this alteration is predicted to be deleterious by in silico analysis. Since supporting evidence is limited at this time, the clinical significance of this alteration remains unclear.